The following is an entry in ClinVar:

ClinVar aggregate classification (germline): Uncertain significance (1 of 4 stars; one submission).

gnomAD v4.1: 3 of 1,614,212 alleles (0.00019%); highest among the groups gnomAD compares: Non-Finnish European, 0.00025%; no homozygotes.

Submission:

Ambry Genetics
Classification: Uncertain significance. Last evaluated: 2022-06-08. Review status: criteria provided, single submitter. Criteria: Ambry Variant Classification Scheme 2023. Collection method: clinical testing. Allele origin: germline.
Comment: The p.K187N variant (also known as c.561G>T), located in coding exon 1 of the PALLD gene, results from a G to T substitution at nucleotide position 561. The lysine at codon 187 is replaced by asparagine, an amino acid with similar properties. This amino acid position is conserved. In addition, this alteration is predicted to be tolerated by in silico analysis. Since supporting evidence is limited at this time, the clinical significance of this alteration remains unclear.

NM_001166108.2(PALLD):c.561G>T (p.Lys187Asn)

Gene: PALLD (palladin, cytoskeletal associated protein; plus strand). Cytogenetic location: 4q32.3.
Variant type: single nucleotide variant.
Coding change: c.561G>T on transcript NM_001166108.2 (MANE Select); coding-DNA position 561, G replaced by T.
Protein change: p.Lys187Asn; replaces lysine 187 with asparagine.
Molecular consequence: missense variant.
Genome position (GRCh38, 1-based): chr4:168,512,065, G>T. VCF-style: chr4-168512065-G-T. GRCh37 (hg19) VCF-style: chr4-169433216-G-T.
Other names: c.561G>T, p.Lys187Asn (NM_016081.4); short protein forms K187N.
Identifiers: ClinVar variation 1748689 (VCV001748689.2), dbSNP rs2531433925, ClinGen allele CA358726289.